The following is an entry in ClinVar:

NC_000022.10:g.(?_37494436)_(37540212_?)dup

Genes: IL2RB (interleukin 2 receptor subunit beta; minus strand), TMPRSS6 (transmembrane serine protease 6; minus strand). Cytogenetic location: 22q12.3.
Variant type: Duplication.
Identifiers: ClinVar variation 2423432 (VCV002423432.3).

ClinVar aggregate classification (germline): Uncertain significance (1 of 4 stars; one submission).

Submission:

Labcorp Genetics (formerly Invitae), Labcorp
Classification: Uncertain significance. Last evaluated: 2022-07-11. Review status: criteria provided, single submitter. Criteria: Invitae Variant Classification Sherloc (09022015). Collection method: clinical testing. Allele origin: germline.
Comment: A copy number gain of the genomic region encompassing the full coding sequence of the IL2RB gene has been identified. The boundaries of this event are unknown as they extend beyond the assayed region for this gene and therefore may encompass additional genes. As the precise location of this event is unknown, it may be in tandem or it may be located elsewhere in the genome. This variant has not been reported in the literature in individuals affected with IL2RB-related conditions. Experimental studies and prediction algorithms are not available or were not evaluated, and the functional significance of this variant is currently unknown. In summary, the available evidence is currently insufficient to determine the role of this variant in disease. Therefore, it has been classified as a Variant of Uncertain Significance.